The following is an entry in ClinVar:

ClinVar aggregate classification (germline): Uncertain significance (1 of 4 stars; one submission).

Conditions:
ALG1-congenital disorder of glycosylation. Also called: ALG1-CDG; CONGENITAL DISORDER OF GLYCOSYLATION, TYPE Ik; CDG Ik. Identifiers: Orphanet 79327, MedGen C2931005, MONDO:0012052, OMIM 608540.

Submission:

Labcorp Genetics (formerly Invitae), Labcorp
Classification: Uncertain significance for ALG1-congenital disorder of glycosylation. Last evaluated: 2021-08-30. Review status: criteria provided, single submitter. Criteria: Invitae Variant Classification Sherloc (09022015). Collection method: clinical testing. Allele origin: germline.
Comment: This sequence change replaces valine with phenylalanine at codon 195 of the ALG1 protein (p.Val195Phe). The valine residue is highly conserved and there is a small physicochemical difference between valine and phenylalanine. This variant is not present in population databases (ExAC no frequency). This variant has not been reported in the literature in individuals affected with ALG1-related conditions. Advanced modeling of protein sequence and biophysical properties (such as structural, functional, and spatial information, amino acid conservation, physicochemical variation, residue mobility, and thermodynamic stability) performed at Invitae indicates that this missense variant is expected to disrupt ALG1 protein function. In summary, the available evidence is currently insufficient to determine the role of this variant in disease. Therefore, it has been classified as a Variant of Uncertain Significance.

NM_019109.5(ALG1):c.583G>T (p.Val195Phe)

Gene: ALG1 (ALG1 chitobiosyldiphosphodolichol beta-mannosyltransferase; plus strand). Cytogenetic location: 16p13.3.
Variant type: single nucleotide variant.
Coding change: c.583G>T on transcript NM_019109.5 (MANE Select); coding-DNA position 583, G replaced by T.
Protein change: p.Val195Phe; replaces valine 195 with phenylalanine.
Molecular consequence: missense variant.
Genome position (GRCh38, 1-based): chr16:5,077,488, G>T. VCF-style: chr16-5077488-G-T. GRCh37 (hg19) VCF-style: chr16-5127489-G-T.
Other names: c.250G>T, p.Val84Phe (NM_001330504.2); short protein forms V195F, V84F.
Identifiers: ClinVar variation 1461696 (VCV001461696.5), dbSNP rs2142712225, ClinGen allele CA394681312.